The following is an entry in ClinVar:

NM_001039591.3(USP9X):c.3868G>C (p.Glu1290Gln)

Gene: USP9X (ubiquitin specific peptidase 9 X-linked; plus strand). Cytogenetic location: Xp11.4.
Variant type: single nucleotide variant.
Coding change: c.3868G>C on transcript NM_001039591.3 (MANE Select); coding-DNA position 3868, G replaced by C.
Protein change: p.Glu1290Gln; replaces glutamic acid 1290 with glutamine.
Molecular consequence: missense variant.
Genome position (GRCh38, 1-based): chrX:41,189,366, G>C. VCF-style: chrX-41189366-G-C. GRCh37 (hg19) VCF-style: chrX-41048619-G-C.
Other names: c.3868G>C, p.Glu1290Gln (NM_001039590.3); c.3883G>C, p.Glu1295Gln (NM_001410748.1, NM_001410749.1); short protein forms E1290Q, E1295Q.
Identifiers: ClinVar variation 2571670 (VCV002571670.1), dbSNP rs2519284059, ClinGen allele CA412768906.
Genomic context (GRCh38, chrX:41,189,366, plus strand): 5'-CAGACCAATGCAGGCAATGAGCCAGACTTGGAAGACGAACAGGTTTGCTGTGAAGCATTG[G>C]AAGTGATGACCTTATGTTTTGCCTTGATTCCAACAGCCTTAGATGCTCTTAGTAAAGAAA-3'
Protein context (NP_001034680.2, residues 1280-1300): EDEQVCCEAL[Glu1290Gln]VMTLCFALIP

ClinVar aggregate classification (germline): Uncertain significance (1 of 4 stars; one submission).

Allele frequency attached by ClinVar (database versions not stated): gnomAD exomes below 0.00001.
gnomAD v4.1: 1 of 1,211,662 alleles (0.000083%); highest among the groups gnomAD compares: African/African-American, 0.0017%; no homozygotes.

Submission:

GeneDx
Classification: Uncertain significance. Last evaluated: 2023-01-05. Review status: criteria provided, single submitter. Criteria: GeneDx Variant Classification Process June 2021. Collection method: clinical testing. Allele origin: germline. Affected: yes.
Comment: Not observed at significant frequency in large population cohorts (gnomAD); In silico analysis supports that this missense variant does not alter protein structure/function; Has not been previously published as pathogenic or benign to our knowledge